The following is an entry in ClinVar:

ClinVar aggregate classification (germline): Likely benign. Review status: criteria provided, multiple submitters, no conflicts (2 of 4 stars). 2 submissions from 2 submitters: Likely benign (2). Last evaluated 2023-02-15.

Conditions:
Arrhythmogenic cardiomyopathy with wooly hair and keratoderma. Also called: PALMOPLANTAR KERATODERMA WITH LEFT VENTRICULAR CARDIOMYOPATHY AND WOOLLY HAIR; Carvajal syndrome; Dilated cardiomyopathy with woolly hair and keratoderma; Arrhythmogenic cardiomyopathy with woolly hair and keratoderma. Identifiers: Orphanet 65282, MedGen C1854063, MONDO:0011581, OMIM 605676.
Cardiomyopathy (CMYO). Also called: Cardiomyopathies. Identifiers: Orphanet 167848, MedGen C0878544, MONDO:0004994, HP:0001638. Inheritance: Various modes of inheritance.

Allele frequency attached by ClinVar (database versions not stated): gnomAD exomes below 0.00001 and 0.00001; TOPMed below 0.00001.
gnomAD v4.1: 3 of 1,614,168 alleles (0.00019%); highest among the groups gnomAD compares: Non-Finnish European, 0.00025%; no homozygotes.

Submissions (2):

All of Us Research Program, National Institutes of Health
Classification: Likely benign for Arrhythmogenic cardiomyopathy with wooly hair and keratoderma. Last evaluated: 2023-02-15. Review status: criteria provided, single submitter. Criteria: ACMG Guidelines, 2015. Collection method: clinical testing. Allele origin: germline. Inheritance: Autosomal dominant inheritance. Observed: 1 variant allele, 1 heterozygote.
Comment: This study involves interpretation of variants in research participants for the purpose of population health screening. Participant phenotype was not available at the time of variant classification. Additional details can be found in publication PMID: 35346344, PMCID: PMC8962531

Color Diagnostics, LLC DBA Color Health
Classification: Likely benign for Cardiomyopathy. Last evaluated: 2019-06-30. Review status: criteria provided, single submitter. Criteria: ACMG Guidelines, 2015. Collection method: clinical testing. Allele origin: germline.

NM_004415.4(DSP):c.6162T>C (p.Ala2054=)

Gene: DSP (desmoplakin; plus strand). Cytogenetic location: 6p24.3.
Variant type: single nucleotide variant.
Coding change: c.6162T>C on transcript NM_004415.4 (MANE Select); coding-DNA position 6162, T replaced by C.
Protein change: p.Ala2054=; no amino-acid change (alanine 2054 retained).
Molecular consequence: synonymous variant.
Genome position (GRCh38, 1-based): chr6:7,583,424, T>C. VCF-style: chr6-7583424-T-C. GRCh37 (hg19) VCF-style: chr6-7583657-T-C.
Other names: c.4365T>C, p.Ala1455= (NM_001008844.3); c.4833T>C, p.Ala1611= (NM_001319034.2).
Identifiers: ClinVar variation 921656 (VCV000921656.3), dbSNP rs1561702033, ClinGen allele CA448715842.